The following is an entry in ClinVar:

NM_000368.5(TSC1):c.1263+14C>T

Gene: TSC1 (TSC complex subunit 1; minus strand). Cytogenetic location: 9q34.13.
Variant type: single nucleotide variant.
Coding change: c.1263+14C>T on transcript NM_000368.5 (MANE Select); 14 bases into the intron after coding-DNA position 1263, C replaced by T.
Molecular consequence: intron variant.
Genome position (GRCh38, 1-based): chr9:132,910,557, G>A on the plus strand (C>T on the coding strand, the complement: TSC1 is on the minus strand). VCF-style: chr9-132910557-G-A. GRCh37 (hg19) VCF-style: chr9-135785944-G-A.
Other names: c.900+14C>T (NM_001362177.2); c.1110+14C>T (NM_001162427.2); c.1260+14C>T (NM_001162426.2).
Identifiers: ClinVar variation 1598075 (VCV001598075.9), dbSNP rs1240806849, ClinGen allele CA591049054.

ClinVar aggregate classification (germline): Likely benign. Review status: criteria provided, multiple submitters, no conflicts (2 of 4 stars). 2 submissions from 2 submitters: Likely benign (2). Last evaluated 2026-08-01.

Conditions:
Tuberous sclerosis 1 (TSC1). Identifiers: Orphanet 805, MedGen C1854465, MONDO:0008612, OMIM 191100.

Allele frequency attached by ClinVar (database versions not stated): gnomAD 0.00001; gnomAD exomes 0.00001; TOPMed 0.00001.
gnomAD v4.1: 31 of 1,613,860 alleles (0.0019%); highest among the groups gnomAD compares: Non-Finnish European, 0.0023%; no homozygotes.

Submissions (2):

CeGaT Center for Human Genetics Tuebingen
Classification: Likely benign. Last evaluated: 2026-08-01. Review status: criteria provided, single submitter. Criteria: CeGaT Center For Human Genetics Tuebingen Variant Classification Criteria Version 2. Collection method: clinical testing. Allele origin: germline. Affected: yes. Observed: 1 variant allele.
Comment: TSC1: BS1

Labcorp Genetics (formerly Invitae), Labcorp
Classification: Likely benign for Tuberous sclerosis 1. Last evaluated: 2025-12-29. Review status: criteria provided, single submitter. Criteria: Invitae Variant Classification Sherloc (09022015). Collection method: clinical testing. Allele origin: germline.